The following is an entry in ClinVar:

NM_004168.4(SDHA):c.771-5T>A

Gene: SDHA (succinate dehydrogenase complex flavoprotein subunit A; plus strand). Cytogenetic location: 5p15.33.
Variant type: single nucleotide variant.
Coding change: c.771-5T>A on transcript NM_004168.4 (MANE Select); 5 bases into the intron before coding-DNA position 771, T replaced by A.
Molecular consequence: intron variant.
Genome position (GRCh38, 1-based): chr5:230,871, T>A. VCF-style: chr5-230871-T-A. GRCh37 (hg19) VCF-style: chr5-230986-T-A.
Other names: c.771-5T>A (NM_001330758.2); c.627-5T>A (NM_001294332.2).
Identifiers: ClinVar variation 4546990 (VCV004546990.1).
Genomic context (GRCh38, chr5:230,871, plus strand): 5'-TCTCACCAGATAGGAGGTCCAGATGTGGGCCGCTGTGTGCAGTCACTGCTCTCTATTGTT[T>A]CCAGAGGCTACGGGCGCACCTACTTCAGCTGCACGTCTGCCCACACCAGCACTGGCGACG-3'

ClinVar aggregate classification (germline): Uncertain significance (1 of 4 stars; one submission).

Conditions:
Hereditary cancer-predisposing syndrome. Also called: Tumor predisposition; Hereditary Cancer Syndrome; Hereditary neoplastic syndrome; Neoplastic Syndromes, Hereditary. Identifiers: Orphanet 140162, MedGen C0027672, MeSH D009386, MONDO:0015356.

Submission:

Ambry Genetics
Classification: Uncertain significance for Hereditary cancer-predisposing syndrome. Last evaluated: 2025-12-03. Review status: criteria provided, single submitter. Criteria: Ambry Variant Classification Scheme 2023. Collection method: clinical testing. Allele origin: germline.
Comment: The c.771-5T>A intronic variant results from a T to A substitution 5 nucleotides upstream from coding exon 7 in the SDHA gene. This nucleotide position is highly conserved in available vertebrate species. In silico splice site analysis predicts that this alteration may weaken the native splice acceptor site. Based on the available evidence, the clinical significance of this variant remains unclear.